The following is an entry in ClinVar:

ClinVar aggregate classification (germline): Conflicting classifications of pathogenicity. Review status: criteria provided, conflicting classifications (1 of 4 stars). 2 submissions from 2 submitters: Uncertain significance (1); Likely benign (1). Last evaluated 2026-06-04.

Conditions:
ALDH18A1-related disorder. Also called: ALDH18A1-related disorders.
Cutis laxa, autosomal dominant 3 (ADCL3). Identifiers: Orphanet 90348, MedGen C4225268, MONDO:0014706, OMIM 616603.
Autosomal dominant spastic paraplegia type 9. Identifiers: MedGen C1832669, MONDO:0015091.
de Barsy syndrome. Also called: Cutis laxa-corneal clouding-oligophrenia syndrome. Identifiers: Orphanet 2962, MedGen C0268354, MONDO:0017569.

Allele frequency attached by ClinVar (database versions not stated): gnomAD exomes 0.00001; gnomAD 0.00009; ExAC 0.00010; TOPMed 0.00012; ESP Exome Variant Server 0.00015.

Submissions (2):

PreventionGenetics, part of Exact Sciences
Classification: Uncertain significance for ALDH18A1-related condition. Last evaluated: 2026-06-04. Review status: criteria provided, single submitter. Criteria: ACMG Guidelines, 2015. Collection method: clinical testing. Allele origin: germline.
Comment: The ALDH18A1 c.1576A>G variant is predicted to result in the amino acid substitution p.Ile526Val. To our knowledge, this variant has not been reported in the literature. This variant is reported in 0.049% of alleles in individuals of African descent in gnomAD. At this time, the clinical significance of this variant is uncertain due to the absence of conclusive functional and genetic evidence.

Labcorp Genetics (formerly Invitae), Labcorp
Classification: Likely benign for Autosomal dominant spastic paraplegia type 9; de Barsy syndrome; Cutis laxa, autosomal dominant 3. Last evaluated: 2024-08-22. Review status: criteria provided, single submitter. Criteria: Invitae Variant Classification Sherloc (09022015). Collection method: clinical testing. Allele origin: germline.

NM_002860.4(ALDH18A1):c.1576A>G (p.Ile526Val)

Gene: ALDH18A1 (aldehyde dehydrogenase 18 family member A1; minus strand). Cytogenetic location: 10q24.1.
Variant type: single nucleotide variant.
Coding change: c.1576A>G on transcript NM_002860.4 (MANE Select); coding-DNA position 1576, A replaced by G.
Protein change: p.Ile526Val; replaces isoleucine 526 with valine.
Molecular consequence: missense variant.
Genome position (GRCh38, 1-based): chr10:95,616,506, T>C on the plus strand (A>G on the coding strand, the complement: ALDH18A1 is on the minus strand). VCF-style: chr10-95616506-T-C. GRCh37 (hg19) VCF-style: chr10-97376263-T-C.
Other names: c.1570A>G, p.Ile524Val (NM_001017423.2, NM_001323415.2); c.1243A>G, p.Ile415Val (NM_001323412.2, NM_001323416.2); c.1576A>G (NM_002860.3); c.1576A>G, p.Ile526Val (NM_001323413.2, NM_001323414.2); c.1471A>G, p.Ile491Val (NM_001323417.2); c.1237A>G, p.Ile413Val (NM_001323418.2); c.940A>G, p.Ile314Val (NM_001323419.2); short protein forms I415V, I491V, I526V, I314V, I413V, I524V.
Identifiers: ClinVar variation 2943587 (VCV002943587.4), dbSNP rs145846557, ClinGen allele CA5620284.